The following is an entry in ClinVar:

NM_139321.3(ATRN):c.1203+8A>G

Gene: ATRN (attractin; plus strand). Cytogenetic location: 20p13.
Variant type: single nucleotide variant.
Coding change: c.1203+8A>G on transcript NM_139321.3 (MANE Select); 8 bases into the intron after coding-DNA position 1203, A replaced by G.
Molecular consequence: intron variant.
Genome position (GRCh38, 1-based): chr20:3,559,491, A>G. VCF-style: chr20-3559491-A-G. GRCh37 (hg19) VCF-style: chr20-3540138-A-G.
Other names: c.1203+8A>G (NM_001323332.2, NM_139322.4); c.855+8A>G (NM_001207047.3).
Identifiers: ClinVar variation 3035251 (VCV003035251.2), dbSNP rs373228930, ClinGen allele CA310700288.

ClinVar aggregate classification (germline): Likely benign (0 of 4 stars; one submission).

Conditions:
ATRN-related disorder. Also called: ATRN-related condition.

Allele frequency attached by ClinVar (database versions not stated): gnomAD exomes below 0.00001; TOPMed 0.00001.
gnomAD v4.1: 7 of 1,602,470 alleles (0.00044%); highest among the groups gnomAD compares: Non-Finnish European, 0.00026%; no homozygotes.

Submission:

PreventionGenetics, part of Exact Sciences
Classification: Likely benign for ATRN-related condition. Last evaluated: 2019-08-01. Review status: no assertion criteria provided. Collection method: clinical testing. Allele origin: germline.
Comment: This variant is classified as likely benign based on ACMG/AMP sequence variant interpretation guidelines (Richards et al. 2015 PMID: 25741868, with internal and published modifications).